The following is an entry in ClinVar:

ClinVar aggregate classification (germline): Uncertain significance (1 of 4 stars; one submission).

Conditions:
Cardiovascular phenotype. Identifiers: MedGen CN230736.

Submission:

Ambry Genetics
Classification: Uncertain significance for Cardiovascular phenotype. Last evaluated: 2025-05-24. Review status: criteria provided, single submitter. Criteria: Ambry Variant Classification Scheme 2023. Collection method: clinical testing. Allele origin: germline.
Comment: The p.P76S variant (also known as c.226C>T), located in coding exon 2 of the VCL gene, results from a C to T substitution at nucleotide position 226. The proline at codon 76 is replaced by serine, an amino acid with similar properties. This amino acid position is conserved. In addition, this alteration is predicted to be tolerated by in silico analysis. Based on the available evidence, the clinical significance of this variant remains unclear.

NM_014000.3(VCL):c.226C>T (p.Pro76Ser)

Gene: VCL (vinculin; plus strand). Cytogenetic location: 10q22.2.
Variant type: single nucleotide variant.
Coding change: c.226C>T on transcript NM_014000.3 (MANE Select); coding-DNA position 226, C replaced by T.
Protein change: p.Pro76Ser; replaces proline 76 with serine.
Molecular consequence: missense variant.
Genome position (GRCh38, 1-based): chr10:74,043,140, C>T. VCF-style: chr10-74043140-C-T. GRCh37 (hg19) VCF-style: chr10-75802898-C-T.
Other names: c.226C>T, p.Pro76Ser (NM_003373.4); short protein forms P76S.
Identifiers: ClinVar variation 3979542 (VCV003979542.1).